The following is an entry in ClinVar:

NM_000925.4(PDHB):c.96+14G>C

Genes: PDHB (pyruvate dehydrogenase E1 subunit beta; minus strand), LOC129936949 (ATAC-STARR-seq lymphoblastoid active region 20012; plus strand). Cytogenetic location: 3p14.3.
Variant type: single nucleotide variant.
Coding change: c.96+14G>C on transcript NM_000925.4 (MANE Select); 14 bases into the intron after coding-DNA position 96, G replaced by C.
Molecular consequence: intron variant.
Genome position (GRCh38, 1-based): chr3:58,433,617, C>G on the plus strand (G>C on the coding strand, the complement: PDHB is on the minus strand). VCF-style: chr3-58433617-C-G. GRCh37 (hg19) VCF-style: chr3-58419344-C-G.
Other names: c.42+151G>C (NM_001315536.2); c.96+14G>C (NM_001173468.2).
Identifiers: ClinVar variation 391086 (VCV000391086.4), dbSNP rs774007894, ClinGen allele CA2471665.

ClinVar aggregate classification (germline): Likely benign. Review status: criteria provided, multiple submitters, no conflicts (2 of 4 stars). 2 submissions from 2 submitters: Likely benign (2). Last evaluated 2025-08-13.

Conditions:
Pyruvate dehydrogenase E1-beta deficiency (PDHBD). Identifiers: Orphanet 255138, Orphanet 765, MedGen C3279841, MONDO:0013580, OMIM 614111.

Allele frequency attached by ClinVar (database versions not stated): gnomAD 0.00003; TOPMed 0.00003.
gnomAD v4.1: 27 of 1,607,354 alleles (0.0017%); highest among the groups gnomAD compares: African/African-American, 0.0093%; no homozygotes.

Submissions (2):

Labcorp Genetics (formerly Invitae), Labcorp
Classification: Likely benign for Pyruvate dehydrogenase E1-beta deficiency. Last evaluated: 2025-08-13. Review status: criteria provided, single submitter. Criteria: Invitae Variant Classification Sherloc (09022015). Collection method: clinical testing. Allele origin: germline.

GeneDx
Classification: Likely benign. Last evaluated: 2016-11-22. Review status: criteria provided, single submitter. Criteria: GeneDx Variant Classification (06012015). Collection method: clinical testing. Allele origin: germline. Affected: yes.
Comment: This variant is considered likely benign or benign based on one or more of the following criteria: it is a conservative change, it occurs at a poorly conserved position in the protein, it is predicted to be benign by multiple in silico algorithms, and/or has population frequency not consistent with disease.